The following is an entry in ClinVar:

NM_005359.6(SMAD4):c.3G>T (p.Met1Ile)

Gene: SMAD4 (SMAD family member 4; plus strand). Cytogenetic location: 18q21.2.
Variant type: single nucleotide variant.
Coding change: c.3G>T on transcript NM_005359.6 (MANE Select); coding-DNA position 3, G replaced by T.
Protein change: p.Met1Ile; changes the start codon (methionine 1).
Molecular consequence: missense variant, initiator codon variant. On other transcripts: non-coding transcript variant (2).
Genome position (GRCh38, 1-based): chr18:51,047,049, G>T. VCF-style: chr18-51047049-G-T. GRCh37 (hg19) VCF-style: chr18-48573419-G-T.
Other names: c.3G>T, p.Met1Ile (NM_001407043.1, NM_001407041.1, NM_001407042.1); short protein forms M1I.
Identifiers: ClinVar variation 3638920 (VCV003638920.2).

ClinVar aggregate classification (germline): Uncertain significance (1 of 4 stars; one submission).

Conditions:
Juvenile polyposis syndrome (JPS). Identifiers: Orphanet 2929, MedGen C0345893, MONDO:0017380, OMIM 174900.

Submission:

Labcorp Genetics (formerly Invitae), Labcorp
Classification: Uncertain significance for Juvenile polyposis syndrome. Last evaluated: 2024-02-05. Review status: criteria provided, single submitter. Criteria: Invitae Variant Classification Sherloc (09022015). Collection method: clinical testing. Allele origin: germline.
Comment: This sequence change affects the initiator methionine of the SMAD4 mRNA. The next in-frame methionine is located at codon 4. This variant is not present in population databases (gnomAD no frequency). This variant has not been reported in the literature in individuals affected with SMAD4-related conditions. Experimental studies and prediction algorithms are not available or were not evaluated, and the functional significance of this variant is currently unknown. In summary, the available evidence is currently insufficient to determine the role of this variant in disease. Therefore, it has been classified as a Variant of Uncertain Significance.